The following is an entry in ClinVar:

NM_015046.7(SETX):c.928G>A (p.Asp310Asn)

Gene: SETX (senataxin; minus strand). Cytogenetic location: 9q34.13.
Variant type: single nucleotide variant.
Coding change: c.928G>A on transcript NM_015046.7 (MANE Select); coding-DNA position 928, G replaced by A.
Protein change: p.Asp310Asn; replaces aspartic acid 310 with asparagine.
Molecular consequence: missense variant.
Genome position (GRCh38, 1-based): chr9:132,331,359, C>T on the plus strand (G>A on the coding strand, the complement: SETX is on the minus strand). VCF-style: chr9-132331359-C-T. GRCh37 (hg19) VCF-style: chr9-135206746-C-T.
Other names: c.928G>A, p.Asp310Asn (NM_001351527.2, NM_001351528.2); short protein forms D310N.
Identifiers: ClinVar variation 2419002 (VCV002419002.8), dbSNP rs2539142572, ClinGen allele CA375346752.

ClinVar aggregate classification (germline): Uncertain significance (1 of 4 stars; one submission).

Conditions:
Spinocerebellar ataxia, autosomal recessive, with axonal neuropathy 2 (SCAN2). Also called: Ataxia-ocular apraxia-2; Ataxia with Oculomotor Apraxia; Ataxia with Oculomotor Apraxia Type 2; ATAXIA-OCULOMOTOR APRAXIA 2. Identifiers: Orphanet 64753, MedGen C1853761, MONDO:0018996, OMIM 606002.
Amyotrophic lateral sclerosis type 4 (ALS4). Also called: AMYOTROPHIC LATERAL SCLEROSIS 4, JUVENILE; NEURONOPATHY, DISTAL HEREDITARY MOTOR, WITH PYRAMIDAL FEATURES. Identifiers: Orphanet 357043, MedGen C1865409, MONDO:0011223, OMIM 602433.

Submission:

Labcorp Genetics (formerly Invitae), Labcorp
Classification: Uncertain significance for Amyotrophic lateral sclerosis type 4; Spinocerebellar ataxia, autosomal recessive, with axonal neuropathy 2. Last evaluated: 2022-03-30. Review status: criteria provided, single submitter. Criteria: Invitae Variant Classification Sherloc (09022015). Collection method: clinical testing. Allele origin: germline.
Comment: In summary, the available evidence is currently insufficient to determine the role of this variant in disease. Therefore, it has been classified as a Variant of Uncertain Significance. Advanced modeling of protein sequence and biophysical properties (such as structural, functional, and spatial information, amino acid conservation, physicochemical variation, residue mobility, and thermodynamic stability) performed at Invitae indicates that this missense variant is expected to disrupt SETX protein function. This variant has not been reported in the literature in individuals affected with SETX-related conditions. This variant is not present in population databases (gnomAD no frequency). This sequence change replaces aspartic acid, which is acidic and polar, with asparagine, which is neutral and polar, at codon 310 of the SETX protein (p.Asp310Asn).